The following is an entry in ClinVar:

ClinVar aggregate classification (germline): Uncertain significance (1 of 4 stars; one submission).

Conditions:
Multiple endocrine neoplasia, type 2 (MEN2). Identifiers: Orphanet 653, MedGen C4048306, MONDO:0019003. Disease mechanism: gain of function.

Submission:

Labcorp Genetics (formerly Invitae), Labcorp
Classification: Uncertain significance for Multiple endocrine neoplasia, type 2. Last evaluated: 2024-02-21. Review status: criteria provided, single submitter. Criteria: Invitae Variant Classification Sherloc (09022015). Collection method: clinical testing. Allele origin: germline.
Comment: This variant, c.1492_1497dup, results in the insertion of 2 amino acid(s) of the RET protein (p.Ala498_Gln499dup), but otherwise preserves the integrity of the reading frame. This variant is not present in population databases (gnomAD no frequency). This variant has been observed in individual(s) with Hirschsprung disease (PMID: 7581377). This variant is also known as 1678ins6. Experimental studies and prediction algorithms are not available or were not evaluated, and the functional significance of this variant is currently unknown. In summary, the available evidence is currently insufficient to determine the role of this variant in disease. Therefore, it has been classified as a Variant of Uncertain Significance.

Literature cited by the submitters: PubMed 7581377.

NM_020975.6(RET):c.1486GCCCAG[3] (p.Gln499_Leu500insAlaGln)

Gene: RET (ret proto-oncogene; plus strand). Cytogenetic location: 10q11.21.
Variant type: Microsatellite.
Coding change: c.1486GCCCAG[3] on transcript NM_020975.6 (MANE Select); three copies in a row of the 6-base unit GCCCAG starting at c.1486; the reference has two copies in a row; one copy, 6 bases duplicated.
Protein change: p.Gln499_Leu500insAlaGln.
Molecular consequence: intron variant (on NM_001406782.1).
Genome position (GRCh38, 1-based): chr10:43,111,435-43,111,440, GCCCAG duplicated; duplicating any 6 consecutive bases within chr10:43,111,426-43,111,440 gives the same sequence; the position shown is the placement nearest the transcript's 3' end. VCF-style (leftmost placement, unchanged base first): chr10-43111425-G-GCAGGCC. GRCh37 (hg19) VCF-style: chr10-43606873-G-GCAGGCC.
Other names: c.760GCCCAG[3], p.Gln257_Leu258insAlaGln (NM_001406776.1, NM_001406777.1, NM_001406778.1 and 1 more transcripts); c.1486GCCCAG[3], p.Gln499_Leu500insAlaGln (NM_001406759.1, NM_001406760.1, NM_001406763.1 and 4 more transcripts); c.1357GCCCAG[3], p.Gln456_Leu457insAlaGln (NM_001406764.1, NM_001406761.1, NM_001406762.1 and 1 more transcripts); c.1198GCCCAG[3], p.Gln403_Leu404insAlaGln (NM_001406766.1, NM_001406767.1, NM_001406770.1); c.496GCCCAG[3], p.Gln169_Leu170insAlaGln (NM_001406784.1); c.724GCCCAG[3], p.Gln245_Leu246insAlaGln (NM_001355216.2); c.1090GCCCAG[3], p.Gln367_Leu368insAlaGln (NM_001406769.1, NM_001406772.1); c.1048GCCCAG[3], p.Gln353_Leu354insAlaGln (NM_001406771.1, NM_001406773.1); and 5 more.
Identifiers: ClinVar variation 3720926 (VCV003720926.2).